The following is an entry in ClinVar:

ClinVar aggregate classification (germline): Pathogenic/Likely pathogenic. Review status: criteria provided, multiple submitters, no conflicts (2 of 4 stars). 2 submissions from 2 submitters: Pathogenic (1); Likely pathogenic (1). Last evaluated 2025-09-20.

Conditions:
Congenital myasthenic syndrome (CMS). Also called: Congenital Myasthenic Syndromes. Identifiers: Orphanet 590, MedGen C0751882, MeSH D020294, MONDO:0018940.
Congenital myasthenic syndrome 4A. Also called: Myasthenic syndrome, congenital, 4a, slow-channel; CONGENITAL MYASTHENIC SYNDROME TYPE Ia1; MYASTHENIC SYNDROME, CONGENITAL, 4A, SLOW-CHANNEL, AUTOSOMAL RECESSIVE. Identifiers: Orphanet 590, MedGen C4225413, MONDO:0011600, OMIM 605809.

Submissions (2):

Myriad Genetics, Inc.
Classification: Pathogenic for Congenital myasthenic syndrome. Last evaluated: 2025-09-20. Review status: criteria provided, single submitter. Criteria: Myriad Autosomal Dominant, Autosomal Recessive and X-Linked Classification Criteria (2023). Collection method: clinical testing. Allele origin: unknown.
Comment: NM_000080.3(CHRNE):c.693delC(Y232Tfs*68) is expected to be pathogenic in the context of congenital myasthenic syndrome, CHRNE-related. This variant is predicted to lead to an abnormal or absent protein product due to the creation of a premature termination codon in CHRNE, a gene where loss-of-function variants are known to be pathogenic. Please note: this variant was assessed in the context of healthy population screening.

Baylor Genetics
Classification: Likely pathogenic for Congenital myasthenic syndrome 4A. Last evaluated: 2023-08-29. Review status: criteria provided, single submitter. Criteria: ACMG Guidelines, 2015. Collection method: clinical testing. Allele origin: unknown.

NM_000080.4(CHRNE):c.693del (p.Tyr232fs)

Genes: C17orf107 (chromosome 17 open reading frame 107; plus strand), CHRNE (cholinergic receptor nicotinic epsilon subunit; minus strand). Cytogenetic location: 17p13.2.
Variant type: Deletion.
Coding change: c.693del on transcript NM_000080.4 (MANE Select); coding-DNA position 693, one base deleted (C; older notation c.693delC).
Protein change: p.Tyr232fs; shifts the reading frame from tyrosine 232.
Molecular consequence: frameshift variant. On other transcripts: 3 prime UTR variant (1).
Genome position (GRCh38, 1-based): chr17:4,901,099, G deleted on the plus strand (C on the coding strand, the reverse complement: CHRNE is on the minus strand). VCF-style (leftmost placement, unchanged base first): chr17-4901098-AG-A. GRCh37 (hg19) VCF-style: chr17-4804393-AG-A.
Other names: c.*566del (NM_001145536.2); short protein forms Y232fs.
Identifiers: ClinVar variation 2680777 (VCV002680777.2), dbSNP rs2507554748, ClinGen allele CA2695201229.